The following is an entry in ClinVar:

ClinVar aggregate classification (germline): Benign/Likely benign. Review status: criteria provided, multiple submitters, no conflicts (2 of 4 stars). 2 submissions from 2 submitters: Benign (1); Likely benign (1). Last evaluated 2024-12-23.

Allele frequency attached by ClinVar (database versions not stated): 1000 Genomes Project 0.00120; 1000 Genomes Project 30x 0.00172; ExAC 0.00274; gnomAD exomes 0.00274 and 0.00392; ESP Exome Variant Server 0.00288; TOPMed 0.00301; gnomAD 0.00310 and 0.00325.

Submissions (2):

Mayo Clinic Laboratories, Mayo Clinic
Classification: Benign. Last evaluated: 2024-12-23. Review status: criteria provided, single submitter. Criteria: ACMG Guidelines, 2015. Collection method: clinical testing. Allele origin: germline. Observed: 3 variant alleles.
Comment: BS1, BS2, BP4, BP7

CeGaT Center for Human Genetics Tuebingen
Classification: Likely benign. Last evaluated: 2024-06-01. Review status: criteria provided, single submitter. Criteria: CeGaT Center For Human Genetics Tuebingen Variant Classification Criteria Version 2. Collection method: clinical testing. Allele origin: germline. Affected: yes. Observed: 9 variant alleles.
Comment: TMEM65: BP4

NM_194291.3(TMEM65):c.622-5_622-4del

Gene: TMEM65 (transmembrane protein 65; minus strand). Cytogenetic location: 8q24.13.
Variant type: Deletion.
Coding change: c.622-5_622-4del on transcript NM_194291.3 (MANE Select); 5 bases into the intron before coding-DNA position 622 through 4 bases into the intron before coding-DNA position 622, 2 bases deleted (CT; older notation c.622-5_622-4delCT).
Molecular consequence: intron variant.
Genome position (GRCh38, 1-based): chr8:124,314,065-124,314,066, AG deleted on the plus strand (CT on the coding strand, the reverse complement: TMEM65 is on the minus strand). VCF-style (leftmost placement, unchanged base first): chr8-124314064-AAG-A. GRCh37 (hg19) VCF-style: chr8-125326305-AAG-A.
Other names: p.?; c.622-5_622-4del (NM_194291.2).
Identifiers: ClinVar variation 1175787 (VCV001175787.36), dbSNP rs138579202, ClinGen allele CA4870196.